The following is an entry in ClinVar:

ClinVar aggregate classification (germline): Uncertain significance (1 of 4 stars; one submission).

Conditions:
Bardet-Biedl syndrome (BBS). Identifiers: Orphanet 110, MedGen C0752166, MONDO:0015229.

Submission:

Labcorp Genetics (formerly Invitae), Labcorp
Classification: Uncertain significance for Bardet-Biedl syndrome. Last evaluated: 2022-02-04. Review status: criteria provided, single submitter. Criteria: Invitae Variant Classification Sherloc (09022015). Collection method: clinical testing. Allele origin: germline.
Comment: This sequence change replaces arginine, which is basic and polar, with leucine, which is neutral and non-polar, at codon 703 of the BBS2 protein (p.Arg703Leu). This variant is not present in population databases (gnomAD no frequency). This variant has not been reported in the literature in individuals affected with BBS2-related conditions. Algorithms developed to predict the effect of missense changes on protein structure and function are either unavailable or do not agree on the potential impact of this missense change (SIFT: "Tolerated"; PolyPhen-2: "Possibly Damaging"; Align-GVGD: "Class C0"). In summary, the available evidence is currently insufficient to determine the role of this variant in disease. Therefore, it has been classified as a Variant of Uncertain Significance.

NM_031885.5(BBS2):c.2108G>T (p.Arg703Leu)

Gene: BBS2 (Bardet-Biedl syndrome 2; minus strand). Cytogenetic location: 16q13.
Variant type: single nucleotide variant.
Coding change: c.2108G>T on transcript NM_031885.5 (MANE Select); coding-DNA position 2108, G replaced by T.
Protein change: p.Arg703Leu; replaces arginine 703 with leucine.
Molecular consequence: missense variant. On other transcripts: non-coding transcript variant (5).
Genome position (GRCh38, 1-based): chr16:56,484,819, C>A on the plus strand (G>T on the coding strand, the complement: BBS2 is on the minus strand). VCF-style: chr16-56484819-C-A. GRCh37 (hg19) VCF-style: chr16-56518731-C-A.
Other names: c.2108G>T, p.Arg703Leu (NM_001377456.1); short protein forms R703L.
Identifiers: ClinVar variation 1961306 (VCV001961306.2), dbSNP rs1963728958, ClinGen allele CA395972444.